The following is an entry in ClinVar:

NM_000138.5(FBN1):c.3853G>A (p.Asp1285Asn)

Gene: FBN1 (fibrillin 1; minus strand). Cytogenetic location: 15q21.1.
Variant type: single nucleotide variant.
Coding change: c.3853G>A on transcript NM_000138.5 (MANE Select); coding-DNA position 3853, G replaced by A.
Protein change: p.Asp1285Asn; replaces aspartic acid 1285 with asparagine.
Molecular consequence: missense variant.
Genome position (GRCh38, 1-based): chr15:48,481,766, C>T on the plus strand (G>A on the coding strand, the complement: FBN1 is on the minus strand). VCF-style: chr15-48481766-C-T. GRCh37 (hg19) VCF-style: chr15-48773963-C-T.
Other names: short protein forms D1285N.
Identifiers: ClinVar variation 527189 (VCV000527189.8), dbSNP rs1555398171, ClinGen allele CA392322561.

ClinVar aggregate classification (germline): Uncertain significance (1 of 4 stars; one submission).

Conditions:
Familial thoracic aortic aneurysm and aortic dissection (TAAD). Also called: Thoracic aortic aneurysms and dissections. Identifiers: Orphanet 91387, MedGen C4707243, MONDO:0019625.
Marfan syndrome (MFS). Also called: Marfan syndrome type 1; Marfan syndrome, classic; Marfan's syndrome; FBN1-Related Marfan Syndrome; MARFAN SYNDROME, TYPE I. Identifiers: Orphanet 284963, Orphanet 558, MedGen C0024796, MONDO:0007947, OMIM 154700.

Allele frequency attached by ClinVar (database versions not stated): gnomAD exomes below 0.00001.
gnomAD v4.1: 1 of 1,613,398 alleles (0.000062%); highest among the groups gnomAD compares: Non-Finnish European, 0.000085%; no homozygotes.

Submission:

Labcorp Genetics (formerly Invitae), Labcorp
Classification: Uncertain significance for Marfan syndrome; Familial thoracic aortic aneurysm and aortic dissection. Last evaluated: 2024-08-06. Review status: criteria provided, single submitter. Criteria: Invitae Variant Classification Sherloc (09022015). Collection method: clinical testing. Allele origin: germline.
Comment: This sequence change replaces aspartic acid, which is acidic and polar, with asparagine, which is neutral and polar, at codon 1285 of the FBN1 protein (p.Asp1285Asn). This variant is not present in population databases (gnomAD no frequency). This variant has not been reported in the literature in individuals affected with FBN1-related conditions. ClinVar contains an entry for this variant (Variation ID: 527189). Advanced modeling of protein sequence and biophysical properties (such as structural, functional, and spatial information, amino acid conservation, physicochemical variation, residue mobility, and thermodynamic stability) has been performed at Invitae for this missense variant, however the output from this modeling did not meet the statistical confidence thresholds required to predict the impact of this variant on FBN1 protein function. In summary, the available evidence is currently insufficient to determine the role of this variant in disease. Therefore, it has been classified as a Variant of Uncertain Significance.